The following is an entry in ClinVar:

NM_007194.4(CHEK2):c.136A>T (p.Met46Leu)

Gene: CHEK2 (checkpoint kinase 2; minus strand). Cytogenetic location: 22q12.1.
Variant type: single nucleotide variant.
Coding change: c.136A>T on transcript NM_007194.4 (MANE Select); coding-DNA position 136, A replaced by T.
Protein change: p.Met46Leu; replaces methionine 46 with leucine.
Molecular consequence: missense variant.
Genome position (GRCh38, 1-based): chr22:28,734,586, T>A on the plus strand (A>T on the coding strand, the complement: CHEK2 is on the minus strand). VCF-style: chr22-28734586-T-A. GRCh37 (hg19) VCF-style: chr22-29130574-T-A.
Other names: c.136A>T, p.Met46Leu (NM_001005735.3, NM_001349956.3, NM_145862.3); c.-642A>T (NM_001257387.3); short protein forms M46L.
Identifiers: ClinVar variation 819021 (VCV000819021.18), dbSNP rs1601852941, ClinGen allele CA411091161.

ClinVar aggregate classification (germline): Uncertain significance. Review status: criteria provided, multiple submitters, no conflicts (2 of 4 stars). 3 submissions from 3 submitters: Uncertain significance (3). Last evaluated 2024-03-07.

Conditions:
CHEK2-related cancer predisposition (TPDS4). Also called: CHEK2-related cancer susceptibility; TUMOR PREDISPOSITION SYNDROME 4; CANCER PREDISPOSITION SYNDROME, CHEK2-RELATED. Identifiers: Orphanet 524, MedGen C5882668, MONDO:0700271, OMIM 609265.
Hereditary cancer-predisposing syndrome. Also called: Tumor predisposition; Hereditary neoplastic syndrome; Neoplastic Syndromes, Hereditary; Hereditary Cancer Syndrome. Identifiers: Orphanet 140162, MedGen C0027672, MeSH D009386, MONDO:0015356.
Familial cancer of breast. Also called: hereditary breast carcinoma; Hereditary breast cancer; BREAST CANCER, FAMILIAL. Identifiers: Orphanet 227535, MedGen C0346153, MONDO:0016419, OMIM 114480. Disease mechanism: loss of function.

Allele frequency attached by ClinVar (database versions not stated): gnomAD exomes below 0.00001; TOPMed below 0.00001; gnomAD 0.00001.
gnomAD v4.1: 3 of 1,613,760 alleles (0.00019%); highest among the groups gnomAD compares: Non-Finnish European, 0.00025%; no homozygotes.

Submissions (3):

Color Diagnostics, LLC DBA Color Health
Classification: Uncertain significance for Hereditary cancer-predisposing syndrome. Last evaluated: 2024-03-07. Review status: criteria provided, single submitter. Criteria: ACMG Guidelines, 2015. Collection method: clinical testing. Allele origin: germline.
Comment: This missense variant replaces methionine with leucine at codon 46 of the CHEK2 protein. Computational prediction suggests that this variant may not impact protein structure and function (internally defined REVEL score threshold <= 0.5, PMID: 27666373). To our knowledge, functional studies have not been reported for this variant. This variant has not been reported in individuals affected with hereditary cancer in the literature. This variant has not been identified in the general population by the Genome Aggregation Database (gnomAD). The available evidence is insufficient to determine the role of this variant in disease conclusively. Therefore, this variant is classified as a Variant of Uncertain Significance.

Labcorp Genetics (formerly Invitae), Labcorp
Classification: Uncertain significance for Familial cancer of breast. Last evaluated: 2022-01-17. Review status: criteria provided, single submitter. Criteria: Invitae Variant Classification Sherloc (09022015). Collection method: clinical testing. Allele origin: germline.
Comment: Algorithms developed to predict the effect of missense changes on protein structure and function output the following: SIFT: "Tolerated"; PolyPhen-2: "Benign"; Align-GVGD: "Class C0". The leucine amino acid residue is found in multiple mammalian species, which suggests that this missense change does not adversely affect protein function. In summary, the available evidence is currently insufficient to determine the role of this variant in disease. Therefore, it has been classified as a Variant of Uncertain Significance. ClinVar contains an entry for this variant (Variation ID: 819021). This variant has not been reported in the literature in individuals affected with CHEK2-related conditions. This variant is not present in population databases (gnomAD no frequency). This sequence change replaces methionine, which is neutral and non-polar, with leucine, which is neutral and non-polar, at codon 46 of the CHEK2 protein (p.Met46Leu).

Ambry Genetics
Classification: Uncertain significance for Hereditary cancer-predisposing syndrome. Last evaluated: 2018-11-14. Review status: criteria provided, single submitter. Criteria: Ambry Variant Classification Scheme 2023. Collection method: clinical testing. Allele origin: germline.
Comment: The p.M46L variant (also known as c.136A>T), located in coding exon 1 of the CHEK2 gene, results from an A to T substitution at nucleotide position 136. The methionine at codon 46 is replaced by leucine, an amino acid with highly similar properties. This amino acid position is poorly conserved in available vertebrate species. In addition, this alteration is predicted to be tolerated by in silico analysis. Since supporting evidence is limited at this time, the clinical significance of this alteration remains unclear.